The following is an entry in ClinVar:

ClinVar aggregate classification (germline): Conflicting classifications of pathogenicity. Review status: criteria provided, conflicting classifications (1 of 4 stars). 2 submissions from 2 submitters: Pathogenic (1); Uncertain significance (1). Last evaluated 2026-02-02.

Submissions (2):

GeneDx
Classification: Pathogenic. Last evaluated: 2026-02-02. Review status: criteria provided, single submitter. Criteria: GeneDx Variant Classification Process June 2021. Collection method: clinical testing. Allele origin: germline.
Comment: Published functional studies demonstrate a damaging effect on transcription activity (PMID: 30923367); Not observed at significant frequency in large population cohorts (gnomAD); In silico analysis supports that this missense variant has a deleterious effect on protein structure/function; This variant is associated with the following publications: (PMID: 30923367)

CeGaT Center for Human Genetics Tuebingen
Classification: Uncertain significance. Last evaluated: 2017-11-01. Review status: criteria provided, single submitter. Criteria: CeGaT Center For Human Genetics Tuebingen Variant Classification Criteria Version 2. Collection method: clinical testing. Allele origin: germline. Affected: yes. Observed: 1 variant allele.

NM_021008.4(DEAF1):c.757A>G (p.Lys253Glu)

Gene: DEAF1 (DEAF1 transcription factor; minus strand). Cytogenetic location: 11p15.5.
Variant type: single nucleotide variant.
Coding change: c.757A>G on transcript NM_021008.4 (MANE Select); coding-DNA position 757, A replaced by G.
Protein change: p.Lys253Glu; replaces lysine 253 with glutamic acid.
Molecular consequence: missense variant. On other transcripts: intron variant (1).
Genome position (GRCh38, 1-based): chr11:686,905, T>C on the plus strand (A>G on the coding strand, the complement: DEAF1 is on the minus strand). VCF-style: chr11-686905-T-C. GRCh37 (hg19) VCF-style: chr11-686905-T-C.
Other names: c.757A>G (NM_021008.2); c.31A>G, p.Lys11Glu (NM_001367390.1, NM_001440885.1, NM_001440886.1 and 1 more transcripts); c.757A>G, p.Lys253Glu (NM_001440883.1, NM_001440884.1); c.664+1006A>G (NM_001293634.2); short protein forms K11E, K253E.
Identifiers: ClinVar variation 806588 (VCV000806588.43), dbSNP rs1590016441, ClinGen allele CA378932119.
Genomic context (GRCh38, chr11:686,905, plus strand): 5'-TCACGGACGATACCTGGATGAGGCACTGCAAGGGTCGGCCCGCGTAGCGAATGCTTCTTT[T>C]CCAGTCCTTACTGCTGGCTCTTCCTGCCATGGCCTCAAACTCGGTGGGACTGTACCAGTT-3'
Protein context (NP_066288.2, residues 243-263): MAGRASSKDW[Lys253Glu]RSIRYAGRPL